The following is an entry in ClinVar:

NM_000166.6(GJB1):c.505G>A (p.Asp169Asn)

Gene: GJB1 (gap junction protein beta 1; plus strand). Cytogenetic location: Xq13.1.
Variant type: single nucleotide variant.
Coding change: c.505G>A on transcript NM_000166.6 (MANE Select); coding-DNA position 505, G replaced by A.
Protein change: p.Asp169Asn; replaces aspartic acid 169 with asparagine.
Molecular consequence: missense variant.
Genome position (GRCh38, 1-based): chrX:71,224,212, G>A. VCF-style: chrX-71224212-G-A. GRCh37 (hg19) VCF-style: chrX-70444062-G-A.
Other names: c.505G>A, p.Asp169Asn (NM_001097642.3); short protein forms D169N.
Identifiers: ClinVar variation 543919 (VCV000543919.11), dbSNP rs754963933, ClinGen allele CA10445308.

ClinVar aggregate classification (germline): Uncertain significance. Review status: criteria provided, multiple submitters, no conflicts (2 of 4 stars). 3 submissions from 3 submitters: Uncertain significance (2). 1 of the submissions does not count toward it. Last evaluated 2026-09-09.

Conditions:
Charcot-Marie-Tooth disease. Also called: Charcot-Marie-Tooth Hereditary Neuropathy; Charcot-Marie-Tooth Neuropathy. Identifiers: Orphanet 166, MedGen C0007959, MONDO:0015626.
GJB1-related disorder. Also called: GJB1-related condition; GJB1-related disorders.
Charcot-Marie-Tooth Neuropathy X. Identifiers: MedGen CN118851.

Allele frequency attached by ClinVar (database versions not stated): ExAC 0.00001; gnomAD exomes 0.00001; gnomAD 0.00002; TOPMed 0.00005.

Submissions (3):

PreventionGenetics, part of Exact Sciences
Classification: Uncertain significance for GJB1-related condition. Last evaluated: 2026-09-09. Review status: criteria provided, single submitter. Criteria: ACMG Guidelines, 2015. Collection method: clinical testing. Allele origin: germline.
Comment: The GJB1 c.505G>A variant is predicted to result in the amino acid substitution p.Asp169Asn. To our knowledge, this variant has not been reported in the literature. This variant is reported in 0.0026% of alleles in individuals of European (Non-Finnish) descent in gnomAD, including 12 hemizygotes in the larger gnomAD v4.1.1 database. Although we suspect that this variant may be benign, at this time, the clinical significance of this variant is uncertain due to the absence of conclusive functional and genetic evidence.

Labcorp Genetics (formerly Invitae), Labcorp
Classification: Uncertain significance for Charcot-Marie-Tooth Neuropathy X. Last evaluated: 2024-10-31. Review status: criteria provided, single submitter. Criteria: Invitae Variant Classification Sherloc (09022015). Collection method: clinical testing. Allele origin: germline.
Comment: This sequence change replaces aspartic acid, which is acidic and polar, with asparagine, which is neutral and polar, at codon 169 of the GJB1 protein (p.Asp169Asn). This variant is present in population databases (rs754963933, gnomAD 0.001%). This variant has not been reported in the literature in individuals affected with GJB1-related conditions. ClinVar contains an entry for this variant (Variation ID: 543919). Invitae Evidence Modeling of protein sequence and biophysical properties (such as structural, functional, and spatial information, amino acid conservation, physicochemical variation, residue mobility, and thermodynamic stability) indicates that this missense variant is not expected to disrupt GJB1 protein function with a negative predictive value of 95%. Experimental studies have shown that this missense change affects GJB1 function (PMID: 14663144). In summary, the available evidence is currently insufficient to determine the role of this variant in disease. Therefore, it has been classified as a Variant of Uncertain Significance.

Natera, Inc.
Classification: Uncertain significance for Charcot-Marie-Tooth disease. Last evaluated: 2020-01-24. Review status: no assertion criteria provided. Collection method: clinical testing. Allele origin: germline. Not counted in ClinVar's aggregate classification.

Literature cited by the submitters: PubMed 14663144 (cited by Labcorp Genetics (formerly Invitae), Labcorp).